The following is an entry in ClinVar:

NM_006904.7(PRKDC):c.11222G>A (p.Arg3741His)

Gene: PRKDC (protein kinase, DNA-activated, catalytic subunit; minus strand). Cytogenetic location: 8q11.21.
Variant type: single nucleotide variant.
Coding change: c.11222G>A on transcript NM_006904.7 (MANE Select); coding-DNA position 11222, G replaced by A.
Protein change: p.Arg3741His; replaces arginine 3741 with histidine.
Molecular consequence: missense variant.
Genome position (GRCh38, 1-based): chr8:47,782,552, C>T on the plus strand (G>A on the coding strand, the complement: PRKDC is on the minus strand). VCF-style: chr8-47782552-C-T. GRCh37 (hg19) VCF-style: chr8-48695113-C-T.
Other names: c.11222G>A, p.Arg3741His (NM_001081640.2); short protein forms R3741H.
Identifiers: ClinVar variation 1386073 (VCV001386073.4), dbSNP rs759518580, ClinGen allele CA371130175.

ClinVar aggregate classification (germline): Uncertain significance (1 of 4 stars; one submission).

Conditions:
Severe combined immunodeficiency due to DNA-PKcs deficiency. Also called: IMMUNODEFICIENCY 26 WITH NEUROLOGIC ABNORMALITIES; Immunodeficiency 26 with or without neurologic abnormalities. Identifiers: Orphanet 317425, MedGen C4014833, MONDO:0014423, OMIM 615966.

Allele frequency attached by ClinVar (database versions not stated): gnomAD 0.00001.
gnomAD v4.1: 16 of 1,572,906 alleles (0.001%); highest among the groups gnomAD compares: African/African-American, 0.0041%; no homozygotes.

Submission:

Labcorp Genetics (formerly Invitae), Labcorp
Classification: Uncertain significance for Severe combined immunodeficiency due to DNA-PKcs deficiency. Last evaluated: 2022-07-25. Review status: criteria provided, single submitter. Criteria: Invitae Variant Classification Sherloc (09022015). Collection method: clinical testing. Allele origin: germline.
Comment: This sequence change replaces arginine, which is basic and polar, with histidine, which is basic and polar, at codon 3741 of the PRKDC protein (p.Arg3741His). The frequency data for this variant in the population databases is considered unreliable, as metrics indicate poor data quality at this position in the gnomAD database. In summary, the available evidence is currently insufficient to determine the role of this variant in disease. Therefore, it has been classified as a Variant of Uncertain Significance. Experimental studies and prediction algorithms are not available or were not evaluated, and the functional significance of this variant is currently unknown. ClinVar contains an entry for this variant (Variation ID: 1386073). This variant has not been reported in the literature in individuals affected with PRKDC-related conditions.